The following is an entry in ClinVar:

NM_001385012.1(NBEA):c.7723C>T (p.Gln2575Ter)

Gene: NBEA (neurobeachin; plus strand). Cytogenetic location: 13q13.3.
Variant type: single nucleotide variant.
Coding change: c.7723C>T on transcript NM_001385012.1 (MANE Select); coding-DNA position 7723, C replaced by T.
Protein change: p.Gln2575Ter; replaces glutamine 2575 with a stop codon.
Molecular consequence: nonsense.
Genome position (GRCh38, 1-based): chr13:35,646,301, C>T. VCF-style: chr13-35646301-C-T. GRCh37 (hg19) VCF-style: chr13-36220438-C-T.
Other names: c.1039C>T, p.Gln347Ter (NM_001204197.3); c.7714C>T, p.Gln2572Ter (NM_001379245.1); c.7660C>T, p.Gln2554Ter (NM_015678.5); short protein forms Q2554*, Q2572*, Q2575*, Q347*.
Identifiers: ClinVar variation 4855747 (VCV004855747.1).

ClinVar aggregate classification (germline): Likely pathogenic (1 of 4 stars; one submission).

Conditions:
Neurodevelopmental disorder with or without early-onset generalized epilepsy. Identifiers: MedGen C5436914, MONDO:0030930, OMIM 619157.

Submission:

3billion
Classification: Likely pathogenic for Neurodevelopmental disorder with or without early-onset generalized epilepsy. Last evaluated: 2025-07-01. Review status: criteria provided, single submitter. Criteria: ACMG Guidelines, 2015. Collection method: clinical testing. Allele origin: germline. Affected: yes.
Comment: The variant is not observed in the gnomAD v4.1.0 dataset. Predicted Consequence/Location: Stop-gained (nonsense): predicted to result in a loss or disruption of normal protein function through nonsense-mediated decay (NMD) or protein truncation. Multiple pathogenic variants are reported downstream of the variant. Therefore, this variant is classified as Likely pathogenic according to the recommendation of ACMG/AMP guideline.